The following is an entry in ClinVar:

ClinVar aggregate classification (germline): Uncertain significance (1 of 4 stars; one submission).

Allele frequency attached by ClinVar (database versions not stated): gnomAD exomes below 0.00001; gnomAD 0.00001.
gnomAD v4.1: 6 of 1,614,032 alleles (0.00037%); highest among the groups gnomAD compares: Non-Finnish European, 0.00051%; no homozygotes.

Submission:

Labcorp Genetics (formerly Invitae), Labcorp
Classification: Uncertain significance. Last evaluated: 2022-10-19. Review status: criteria provided, single submitter. Criteria: Invitae Variant Classification Sherloc (09022015). Collection method: clinical testing. Allele origin: germline.
Comment: In summary, the available evidence is currently insufficient to determine the role of this variant in disease. Therefore, it has been classified as a Variant of Uncertain Significance. Algorithms developed to predict the effect of missense changes on protein structure and function (SIFT, PolyPhen-2, Align-GVGD) all suggest that this variant is likely to be tolerated. This variant has not been reported in the literature in individuals affected with ATRN-related conditions. This variant is not present in population databases (gnomAD no frequency). This sequence change replaces histidine, which is basic and polar, with leucine, which is neutral and non-polar, at codon 295 of the ATRN protein (p.His295Leu).

NM_139321.3(ATRN):c.884A>T (p.His295Leu)

Gene: ATRN (attractin; plus strand). Cytogenetic location: 20p13.
Variant type: single nucleotide variant.
Coding change: c.884A>T on transcript NM_139321.3 (MANE Select); coding-DNA position 884, A replaced by T.
Protein change: p.His295Leu; replaces histidine 295 with leucine.
Molecular consequence: missense variant.
Genome position (GRCh38, 1-based): chr20:3,547,430, A>T. VCF-style: chr20-3547430-A-T. GRCh37 (hg19) VCF-style: chr20-3528077-A-T.
Other names: c.536A>T, p.His179Leu (NM_001207047.3); c.884A>T, p.His295Leu (NM_001323332.2, NM_139322.4); short protein forms H179L, H295L.
Identifiers: ClinVar variation 2960152 (VCV002960152.3), dbSNP rs2085721000, ClinGen allele CA408253388.